The following is an entry in ClinVar:

NM_004415.4(DSP):c.7439_7476dup (p.Phe2493delinsArgArgProThrArgArgAlaTer)

Gene: DSP (desmoplakin; plus strand). Cytogenetic location: 6p24.3.
Variant type: Duplication.
Coding change: c.7439_7476dup on transcript NM_004415.4 (MANE Select); coding-DNA positions 7439 to 7476, 38 bases duplicated.
Protein change: p.Phe2493delinsArgArgProThrArgArgAlaTer.
Molecular consequence: nonsense.
Genome position (GRCh38, 1-based): chr6:7,584,701-7,584,738, 38 bases duplicated; duplicating any 38 consecutive bases within chr6:7,584,700-7,584,738 gives the same sequence; the c. name uses the placement nearest the transcript's 3' end. GRCh37 (hg19): chr6:7,584,934-7,584,971.
Other names: c.5642_5679dup, p.Phe1894delinsArgArgProThrArgArgAlaTer (NM_001008844.3); c.6110_6147dup, p.Phe2050delinsArgArgProThrArgArgAlaTer (NM_001319034.2).
Identifiers: ClinVar variation 3075386 (VCV003075386.1), dbSNP rs2533945856, ClinGen allele CA2825001489.
Genomic context (GRCh38, chr6:7,584,699, plus strand): 5'-TACCCTCAGGAAGCGTAGAGTGGTCATAGTTGACCCAGAAACCAATAAAGAAATGTCTGT[T>TCAGGAGGCCTACAAGAAGGGCCTAATTGATTATGAAAC]CAGGAGGCCTACAAGAAGGGCCTAATTGATTATGAAACCTTCAAAGAACTGTGTGAGCAG-3'

ClinVar aggregate classification (germline): Likely pathogenic (1 of 4 stars; one submission).

Conditions:
Arrhythmogenic cardiomyopathy with wooly hair and keratoderma. Also called: PALMOPLANTAR KERATODERMA WITH LEFT VENTRICULAR CARDIOMYOPATHY AND WOOLLY HAIR; Carvajal syndrome; Dilated cardiomyopathy with woolly hair and keratoderma; Arrhythmogenic cardiomyopathy with woolly hair and keratoderma. Identifiers: Orphanet 65282, MedGen C1854063, MONDO:0011581, OMIM 605676.

Submission:

All of Us Research Program, National Institutes of Health
Classification: Likely pathogenic for Arrhythmogenic cardiomyopathy with wooly hair and keratoderma. Last evaluated: 2024-01-18. Review status: criteria provided, single submitter. Criteria: ACMG Guidelines, 2015. Collection method: clinical testing. Allele origin: germline. Inheritance: Autosomal dominant inheritance. Observed: 1 variant allele, 1 heterozygote.
Comment: This variant creates a premature termination codon in the last exon. The transcribed mRNA is predicted to escape nonsense-mediated decay and result in protein truncation. This prediction has not been confirmed by functional studies. To date, this variant has not been reported in association with human disease in the medical literature. This variant is absent from large population databases, including the Genome Aggregation Database.

This study involves interpretation of variants in research participants for the purpose of population health screening. Participant phenotype was not available at the time of variant classification. Additional details can be found in publication PMID: 35346344, PMCID: PMC8962531